The following is an entry in ClinVar:

ClinVar aggregate classification (germline): Pathogenic/Likely pathogenic. Review status: criteria provided, multiple submitters, no conflicts (2 of 4 stars). 4 submissions from 4 submitters: Pathogenic (1); Likely pathogenic (3). Last evaluated 2025-05-08.

Conditions:
Cardiovascular phenotype. Identifiers: MedGen CN230736.
Autosomal recessive limb-girdle muscular dystrophy type 2J (LGMDR10). Also called: Limb-girdle muscular dystrophy, type 2J; MUSCULAR DYSTROPHY, LIMB-GIRDLE, AUTOSOMAL RECESSIVE 10. Identifiers: Orphanet 140922, MedGen C1837342, MONDO:0012127, OMIM 608807.
Dilated cardiomyopathy 1G (CMD1G). Identifiers: Orphanet 154, MedGen C1858763, MONDO:0011400, OMIM 604145.

Submissions (4):

Ambry Genetics
Classification: Likely pathogenic for Cardiovascular phenotype. Last evaluated: 2025-05-08. Review status: criteria provided, single submitter. Criteria: Ambry Variant Classification Scheme 2023. Collection method: clinical testing. Allele origin: germline.
Comment: The c.49202_49203delTA variant, located in coding exon 153 of the TTN gene, results from a deletion of two nucleotides at nucleotide positions 49202 to 49203, causing a translational frameshift with a predicted alternate stop codon (p.I16401Rfs*10). This exon is located in the A-band region of the N2-B isoform of the titin protein and is constitutively expressed in TTN transcripts (percent spliced in or PSI 100%). This variant is considered to be rare based on population cohorts in the Genome Aggregation Database (gnomAD). This variant is expected to result in loss of function by premature protein truncation or nonsense-mediated mRNA decay. While truncating variants in TTN are present in 1-3% of the general population, truncating variants in the A-band are the most common cause of dilated cardiomyopathy (Herman DS et al. N. Engl. J. Med., 2012 Feb;366:619-28; Roberts AM et al. Sci Transl Med, 2015 Jan;7:270ra6). TTN truncating variants encoded in constitutive exons (PSI >90%) have been found to be significantly associated with DCM regardless of their position in titin (Schafer S et al. Nat. Genet., 2017 01;49:46-53; Akhtar MM et al. Circ Heart Fail, 2020 Oct;13:e006832; Massier M et al. Clin Genet, 2025 Jan). Based on the majority of available evidence to date, this variant is likely to be pathogenic.

Labcorp Genetics (formerly Invitae), Labcorp
Classification: Likely pathogenic for Dilated cardiomyopathy 1G; Autosomal recessive limb-girdle muscular dystrophy type 2J. Last evaluated: 2024-10-22. Review status: criteria provided, single submitter. Criteria: Invitae Variant Classification Sherloc (09022015). Collection method: clinical testing. Allele origin: germline.
Comment: This sequence change creates a premature translational stop signal (p.Ile25466Argfs*10) in the TTN gene. While this is not anticipated to result in nonsense mediated decay, it is expected to create a truncated TTN protein. This variant is not present in population databases (gnomAD no frequency). This variant has not been reported in the literature in individuals affected with TTN-related conditions. ClinVar contains an entry for this variant (Variation ID: 202469). This variant is located in the A band of TTN (PMID: 25589632). Truncating variants in this region are significantly overrepresented in patients affected with dilated cardiomyopathy (PMID: 25589632). Truncating variants in this region have also been reported in individuals affected with autosomal recessive centronuclear myopathy (PMID: 23975875). In summary, the currently available evidence indicates that the variant is pathogenic, but additional data are needed to prove that conclusively. Therefore, this variant has been classified as Likely Pathogenic.

Stanford Center for Inherited Cardiovascular Disease, Stanford University
Classification: Likely pathogenic. Last evaluated: 2017-01-18. Review status: criteria provided, single submitter. Criteria: ACMG Guidelines, 2015. Collection method: provider interpretation. Allele origin: germline.

GeneDx
Classification: Pathogenic. Last evaluated: 2014-04-21. Review status: criteria provided, single submitter. Criteria: GeneDx Variant Classification (06012015). Collection method: clinical testing. Allele origin: germline. Affected: yes.
Comment: c.71474_71475delTA: p.Ile23825ArgfsX10 (I23825RfsX10) in exon 276 of the TTN gene (NM_001256850.1). The normal sequence with the bases that are deleted in braces is: AACA{TA}GAAG. Although the c.71474_71475delTA mutation in the TTN gene has not been reported to our knowledge, this mutation causes a shift in reading frame starting at codon Isoleucine 23825, changing it to an Arginine, and creating a premature stop codon at position 10 of the new reading frame, denoted p.Ile23825ArgfsX10. This mutation is expected to result in either an abnormal, truncated protein product or loss of protein from this allele through nonsense-mediated mRNA decay. Other truncating TTN variants have been reported in approximately 3% of control alleles (Herman D et al., 2012). However, c.71474_71475delTA is located in the A-band region of titin, where the majority of truncating mutations associated with DCM have been reported (Herman D et al., 2012). In summary, c.71474_71475delTA in the TTN gene is interpreted as a disease-causing mutation. The variant is found in CARDIOMYOPATHY panel(s).

Literature cited by the submitters: PubMed 25589632 (cited by Labcorp Genetics (formerly Invitae), Labcorp); PubMed 23975875 (cited by Labcorp Genetics (formerly Invitae), Labcorp).

NM_001267550.2(TTN):c.76397_76398del (p.Ile25466fs)

Genes: TTN (titin; minus strand), TTN-AS1 (TTN antisense RNA 1; plus strand). Cytogenetic location: 2q31.2.
Variant type: Deletion.
Coding change: c.76397_76398del on transcript NM_001267550.2 (MANE Select); coding-DNA positions 76397 to 76398, 2 bases deleted (TA; older notation c.76397_76398delTA).
Protein change: p.Ile25466fs; shifts the reading frame from isoleucine 25466.
Molecular consequence: frameshift variant.
Genome position (GRCh38, 1-based): chr2:178,569,734-178,569,735, TA deleted on the plus strand (TA on the coding strand, the reverse complement: TTN is on the minus strand); deleting any 2 consecutive bases within chr2:178,569,734-178,569,736 gives the same sequence; the c. name uses the placement nearest the transcript's 3' end. VCF-style (leftmost placement, unchanged base first): chr2-178569733-CTA-C. GRCh37 (hg19) VCF-style: chr2-179434460-CTA-C.
Other names: c.71474_71475del, p.Ile23825fs (NM_001256850.1); c.49202_49203del, p.Ile16401fs (NM_003319.4); c.68693_68694del, p.Ile22898fs (NM_133378.4); c.49577_49578del, p.Ile16526fs (NM_133432.3); c.49778_49779del, p.Ile16593fs (NM_133437.4); c.71474_71475delTA (NM_001256850.1); c.49202_49203delTA (NM_003319.4); short protein forms I16401fs, I22898fs, I16526fs, I16593fs, I25466fs, I23825fs.
Identifiers: ClinVar variation 202469 (VCV000202469.6), dbSNP rs794729342, ClinGen allele CA090970.